The following is an entry in ClinVar:

NM_001401501.2(MUC16):c.42823C>G (p.His14275Asp)

Gene: MUC16 (mucin 16, cell surface associated; minus strand). Cytogenetic location: 19p13.2.
Variant type: single nucleotide variant.
Coding change: c.42823C>G on transcript NM_001401501.2 (MANE Select); coding-DNA position 42823, C replaced by G.
Protein change: p.His14275Asp; replaces histidine 14275 with aspartic acid.
Molecular consequence: missense variant.
Genome position (GRCh38, 1-based): chr19:8,891,843, G>C on the plus strand (C>G on the coding strand, the complement: MUC16 is on the minus strand). VCF-style: chr19-8891843-G-C. GRCh37 (hg19) VCF-style: chr19-9002519-G-C.
Other names: c.43249C>G, p.His14417Asp (NM_001414686.1); c.42703C>G, p.His14235Asp (NM_001414687.1); c.40297C>G, p.His13433Asp (NM_024690.2); short protein forms H13433D, H14235D, H14275D, H14417D.
Identifiers: ClinVar variation 3060042 (VCV003060042.2), dbSNP rs150783178, ClinGen allele CA9163470.
Genomic context (GRCh38, chr19:8,891,843, plus strand): 5'-CAGCAAGGAGGAAGAGACTCCAACCACATCAAAGTTGCTCACCATTGACATAGAGACTGT[G>C]CCTGTCCAGGGTGTAGGGGCCCAGCTCAGTGATGCCGTGGGTCAGCTGGCTCAGCTTCCA-3'
Protein context (NP_001388430.1, residues 14265-14285): TELGPYTLDR[His14275Asp]SLYVNGFTHQ

ClinVar aggregate classification (germline): Benign (0 of 4 stars; one submission).

Conditions:
MUC16-related disorder. Also called: MUC16-related condition.

Allele frequency attached by ClinVar (database versions not stated): ESP Exome Variant Server 0.21744; 1000 Genomes Project 30x 0.22049; ExAC 0.48961.

Submission:

PreventionGenetics, part of Exact Sciences
Classification: Benign for MUC16-related condition. Last evaluated: 2019-10-18. Review status: no assertion criteria provided. Collection method: clinical testing. Allele origin: germline.
Comment: This variant is classified as benign based on ACMG/AMP sequence variant interpretation guidelines (Richards et al. 2015 PMID: 25741868, with internal and published modifications).